The following is an entry in ClinVar:

ClinVar aggregate classification (germline): Uncertain significance (1 of 4 stars; one submission).

Conditions:
Hajdu-Cheney syndrome (HJCYS). Also called: Acroosteolysis dominant type; SERPENTINE FIBULA-POLYCYSTIC KIDNEY SYNDROME; ACROOSTEOLYSIS WITH OSTEOPOROSIS AND CHANGES IN SKULL AND MANDIBLE. Identifiers: Orphanet 955, MedGen C0917715, MONDO:0007057, OMIM 102500.

Submission:

Labcorp Genetics (formerly Invitae), Labcorp
Classification: Uncertain significance for Hajdu-Cheney syndrome. Last evaluated: 2025-12-02. Review status: criteria provided, single submitter. Criteria: Invitae Variant Classification Sherloc (09022015). Collection method: clinical testing. Allele origin: germline.
Comment: This sequence change replaces tyrosine, which is neutral and polar, with histidine, which is basic and polar, at codon 1593 of the NOTCH2 protein (p.Tyr1593His). This variant is not present in population databases (gnomAD no frequency). This variant has not been reported in the literature in individuals affected with NOTCH2-related conditions. ClinVar contains an entry for this variant (Variation ID: 3633601). Invitae Evidence Modeling of protein sequence and biophysical properties (such as structural, functional, and spatial information, amino acid conservation, physicochemical variation, residue mobility, and thermodynamic stability) indicates that this missense variant is not expected to disrupt NOTCH2 protein function with a negative predictive value of 95%. In summary, the available evidence is currently insufficient to determine the role of this variant in disease. Therefore, it has been classified as a Variant of Uncertain Significance.

NM_024408.4(NOTCH2):c.4777T>C (p.Tyr1593His)

Gene: NOTCH2 (notch receptor 2; minus strand). Cytogenetic location: 1p12.
Variant type: single nucleotide variant.
Coding change: c.4777T>C on transcript NM_024408.4 (MANE Select); coding-DNA position 4777, T replaced by C.
Protein change: p.Tyr1593His; replaces tyrosine 1593 with histidine.
Molecular consequence: missense variant.
Genome position (GRCh38, 1-based): chr1:119,923,719, A>G on the plus strand (T>C on the coding strand, the complement: NOTCH2 is on the minus strand). VCF-style: chr1-119923719-A-G. GRCh37 (hg19) VCF-style: chr1-120466342-A-G.
Other names: short protein forms Y1593H.
Identifiers: ClinVar variation 3633601 (VCV003633601.2).